The following is an entry in ClinVar:

ClinVar aggregate classification (germline): Uncertain significance (1 of 4 stars; one submission).

Conditions:
Cardiovascular phenotype. Identifiers: MedGen CN230736.

gnomAD v4.1: 7 of 1,613,726 alleles (0.00043%); highest among the groups gnomAD compares: Admixed American, 0.0067%; no homozygotes.

Submission:

Ambry Genetics
Classification: Uncertain significance for Cardiovascular phenotype. Last evaluated: 2025-11-15. Review status: criteria provided, single submitter. Criteria: Ambry Variant Classification Scheme 2023. Collection method: clinical testing. Allele origin: germline.
Comment: The p.N116S variant (also known as c.347A>G), located in coding exon 3 of the LCAT gene, results from an A to G substitution at nucleotide position 347. The asparagine at codon 116 is replaced by serine, an amino acid with highly similar properties. This amino acid position is conserved. In addition, the in silico prediction for this alteration is inconclusive. Based on the available evidence, the clinical significance of this variant remains unclear.

NM_000229.2(LCAT):c.347A>G (p.Asn116Ser)

Gene: LCAT (lecithin-cholesterol acyltransferase; minus strand). Cytogenetic location: 16q22.1.
Variant type: single nucleotide variant.
Coding change: c.347A>G on transcript NM_000229.2 (MANE Select); coding-DNA position 347, A replaced by G.
Protein change: p.Asn116Ser; replaces asparagine 116 with serine.
Molecular consequence: missense variant.
Genome position (GRCh38, 1-based): chr16:67,942,941, T>C on the plus strand (A>G on the coding strand, the complement: LCAT is on the minus strand). VCF-style: chr16-67942941-T-C. GRCh37 (hg19) VCF-style: chr16-67976844-T-C.
Other names: short protein forms N116S.
Identifiers: ClinVar variation 4614483 (VCV004614483.1).